The following is an entry in ClinVar:

NM_000815.5(GABRD):c.1223G>A (p.Arg408His)

Gene: GABRD (gamma-aminobutyric acid type A receptor subunit delta; plus strand). Cytogenetic location: 1p36.33.
Variant type: single nucleotide variant.
Coding change: c.1223G>A on transcript NM_000815.5 (MANE Select); coding-DNA position 1223, G replaced by A.
Protein change: p.Arg408His; replaces arginine 408 with histidine.
Molecular consequence: missense variant.
Genome position (GRCh38, 1-based): chr1:2,030,146, G>A. VCF-style: chr1-2030146-G-A. GRCh37 (hg19) VCF-style: chr1-1961585-G-A.
Other names: c.1223G>A (NM_000815.4); short protein forms R408H.
Identifiers: ClinVar variation 1002316 (VCV001002316.11), dbSNP rs901937998, ClinGen allele CA16891953.
Genomic context (GRCh38, chr1:2,030,146, plus strand): 5'-TGGGCTCCTACAGGTCGGTGGGGGTGGAGACAGGGGAGACGAAGAAGGAGGGGGCAGCCC[G>A]CTCAGGAGGCCAGGGGGGCATCCGTGCCCGGCTCAGGCCCATCGACGCAGACACCATTGA-3'
Protein context (NP_000806.2, residues 398-418): TGETKKEGAA[Arg408His]SGGQGGIRAR

ClinVar aggregate classification (germline): Uncertain significance. Review status: criteria provided, multiple submitters, no conflicts (2 of 4 stars). 3 submissions from 3 submitters: Uncertain significance (3). Last evaluated 2025-06-07.

Conditions:
Inborn genetic diseases. Identifiers: MedGen C0950123, MeSH D030342.
Idiopathic generalized epilepsy. Also called: EIG; Generalised epilepsy. Identifiers: MedGen C0270850, MONDO:0005579, OMIM 600669.

Allele frequency attached by ClinVar (database versions not stated): gnomAD exomes 0.00001; TOPMed 0.00001.

Submissions (3):

Ambry Genetics
Classification: Uncertain significance for Inborn genetic diseases. Last evaluated: 2025-06-07. Review status: criteria provided, single submitter. Criteria: Ambry Variant Classification Scheme 2023. Collection method: clinical testing. Allele origin: germline.

Labcorp Genetics (formerly Invitae), Labcorp
Classification: Uncertain significance for Idiopathic generalized epilepsy. Last evaluated: 2023-08-27. Review status: criteria provided, single submitter. Criteria: Invitae Variant Classification Sherloc (09022015). Collection method: clinical testing. Allele origin: germline.
Comment: This sequence change replaces arginine, which is basic and polar, with histidine, which is basic and polar, at codon 408 of the GABRD protein (p.Arg408His). The frequency data for this variant in the population databases is considered unreliable, as metrics indicate poor data quality at this position in the gnomAD database. This variant has not been reported in the literature in individuals affected with GABRD-related conditions. ClinVar contains an entry for this variant (Variation ID: 1002316). An algorithm developed to predict the effect of missense changes on protein structure and function (PolyPhen-2) suggests that this variant is likely to be tolerated. In summary, the available evidence is currently insufficient to determine the role of this variant in disease. Therefore, it has been classified as a Variant of Uncertain Significance.

Revvity Omics, Revvity
Classification: Uncertain significance. Last evaluated: 2020-10-09. Review status: criteria provided, single submitter. Criteria: ACMG Guidelines, 2015. Collection method: clinical testing. Allele origin: germline.